The following is an entry in ClinVar:

ClinVar aggregate classification (germline): Pathogenic/Likely pathogenic. Review status: criteria provided, multiple submitters, no conflicts (2 of 4 stars). 5 submissions from 5 submitters: Pathogenic (1); Likely pathogenic (3). 1 of the submissions does not count toward it. Last evaluated 2025-02-10.

Conditions:
Bethlem myopathy 1A. Also called: Bethlem Muscular Dystrophy; MYOPATHY, BENIGN CONGENITAL, WITH CONTRACTURES; Bethlem myopathy 1. Identifiers: Orphanet 610, MedGen CN029274, MONDO:0024530, OMIM 158810.
LMNA-related disorder. Also called: LMNA-related condition; LMNA-related disease; LMNA-related disorders. Identifiers: MedGen CN380145.

Submissions (5):

Clinical Omics and Informatics (COIN) Unit, Neuroscience Institute, University Of Cape Town
Classification: Likely pathogenic for Bethlem myopathy 1A. Last evaluated: 2025-02-10. Review status: criteria provided, single submitter. Criteria: ACMG Guidelines, 2015. Collection method: research. Allele origin: germline. Inheritance: Autosomal dominant inheritance. Affected: yes. Observed: 1 variant allele, 1 heterozygote.
Comment: PM2_supporting: this variant is absent from gnomAD v2.1.1, v3.1.2 and v4 (adequate coverage >20X confirmed). PP3_str: REVEL Score is 0.975. PM5 met: A missense change at codon 541 of the LMNA protein (p.Arg541His) has been associated with Emery-Dreifuss muscular dystrophy (PMID: 18646565) and Dilated Cardiomyopathy (PMID: 10612827' 14675861' 14684700' 18564364' 23183350' 27532257. Other variant(s) that also disrupt this Arg residue have been determined to be pathogenic (PMID: 22186027, 24623722). A missense change at codon 541 of the LMNA protein (p.Arg541Ser) has been associated with Dilated cardiomyopathy, congestive heart failure and atrial fibrillation. Females harbouring the same variant presented with loss of adipose tissue (PMID:20848652). PS3_supp: A functional study looking at the affect of LMNA R541P expression provides supportive evidence that the variant has a damaging effect on the gene or gene product (PMID:20848652). PS4_supp: ≥ 1 unrelated proband(s) with consistent phenotype for disorder. Sequencing funded by the International Centre for Genomic Medicine in Neuromuscular Diseases (ICGNMD).

Blueprint Genetics
Classification: Likely pathogenic for LMNA-related disorders. Last evaluated: 2024-02-01. Review status: criteria provided, single submitter. Criteria: ACMG Guidelines, 2015. Collection method: clinical testing. Allele origin: germline. Affected: yes. Observed: 4 variant alleles.

Eurofins Ntd Llc (ga)
Classification: Pathogenic. Last evaluated: 2017-03-29. Review status: criteria provided, single submitter. Criteria: EGL Classification Definitions 2015. Collection method: clinical testing. Allele origin: germline. Observed: 1 variant allele, 1 heterozygote.

Genetic Services Laboratory, University of Chicago
Classification: Likely pathogenic. Last evaluated: 2016-03-15. Review status: criteria provided, single submitter. Criteria: ACMG Guidelines, 2015. Collection method: clinical testing. Allele origin: germline. Affected: yes.

Epithelial Biology;  Institute of Medical Biology, Singapore
No classification provided. Review status: no classification provided. Collection method: not provided. Allele origin: not provided. Not counted in ClinVar's aggregate classification.

Literature cited by the submitters: PubMed 20848652 (cited by Clinical Omics and Informatics (COIN) Unit, Neuroscience Institute, University Of Cape Town); PubMed 32524016 (cited by Clinical Omics and Informatics (COIN) Unit, Neuroscience Institute, University Of Cape Town).

NM_170707.4(LMNA):c.1622G>C (p.Arg541Pro)

Gene: LMNA (lamin A/C; plus strand). Cytogenetic location: 1q22.
Variant type: single nucleotide variant.
Coding change: c.1622G>C on transcript NM_170707.4 (MANE Select); coding-DNA position 1622, G replaced by C.
Protein change: p.Arg541Pro; replaces arginine 541 with proline.
Molecular consequence: missense variant. On other transcripts: intron variant (1).
Genome position (GRCh38, 1-based): chr1:156,137,667, G>C. VCF-style: chr1-156137667-G-C. GRCh37 (hg19) VCF-style: chr1-156107458-G-C.
Other names: c.1286G>C, p.Arg429Pro (NM_001257374.3); c.1379G>C, p.Arg460Pro (NM_001282624.2); c.1622G>C, p.Arg541Pro (NM_001282625.2, NM_001282626.2, NM_005572.4); c.1608+435G>C (NM_170708.4); short protein forms R541P, R460P, R429P.
Identifiers: ClinVar variation 66861 (VCV000066861.12), dbSNP rs61444459, ClinGen allele CA017630.